The following is an entry in ClinVar:

ClinVar aggregate classification (germline): Uncertain significance (1 of 4 stars; one submission).

gnomAD v4.1: 24 of 1,613,126 alleles (0.0015%); highest among the groups gnomAD compares: East Asian, 0.051%; no homozygotes.

Submission:

GeneDx
Classification: Uncertain significance. Last evaluated: 2019-07-25. Review status: criteria provided, single submitter. Criteria: GeneDx Variant Classification Process June 2021. Collection method: clinical testing. Allele origin: germline. Affected: yes.
Comment: In silico analysis, which includes protein predictors and evolutionary conservation, supports that this variant does not alter protein structure/function; Reported in 2 Chinese patients with moyamoya disease (Liu et al., 2011; Zhang et al., 2016); This variant is associated with the following publications: (PMID: 23149960, 25956231, 26662949, 29165161, 21799892, 27128593)

NM_001256071.3(RNF213):c.14587G>A (p.Asp4863Asn)

Genes: RNF213 (ring finger protein 213; plus strand), RNF213-AS1 (RNF213 antisense RNA 1; minus strand), LOC126862664 (CDK7 strongly-dependent group 2 enhancer GRCh37_chr17:78359110-78360309; plus strand). Cytogenetic location: 17q25.3.
Variant type: single nucleotide variant.
Coding change: c.14587G>A on transcript NM_001256071.3 (MANE Select); coding-DNA position 14587, G replaced by A.
Protein change: p.Asp4863Asn; replaces aspartic acid 4863 with asparagine.
Molecular consequence: missense variant.
Genome position (GRCh38, 1-based): chr17:80,386,297, G>A. VCF-style: chr17-80386297-G-A. GRCh37 (hg19) VCF-style: chr17-78360097-G-A.
Other names: short protein forms D4863N.
Identifiers: ClinVar variation 1318806 (VCV001318806.2), dbSNP rs760732823, ClinGen allele CA8823009.
Genomic context (GRCh38, chr17:80,386,297, plus strand): 5'-CTGTCGTTTAAAGGTGAGATCAACCTACCCAAAGACTACTGCAGCACTGACTTGGATCTG[G>A]ACACTGAGTTTGAGATCCTCTTGCCACGCCGACGGGGCCTGGGCCTCTGTGCTACCGCTC-3'
Protein context (NP_001243000.2, residues 4853-4873): KDYCSTDLDL[Asp4863Asn]TEFEILLPRR